The following is an entry in ClinVar:

ClinVar aggregate classification (germline): Conflicting classifications of pathogenicity. Review status: criteria provided, conflicting classifications (1 of 4 stars). 2 submissions from 2 submitters: Pathogenic (1); Uncertain significance (1). Last evaluated 2025-04-25.

Conditions:
Hereditary orotic aciduria. Also called: OROTIC ACIDURIA I; OROTIDYLIC PYROPHOSPHORYLASE AND OROTIDYLIC DECARBOXYLASE DEFICIENCY; OROTATE PHOSPHORIBOSYLTRANSFERASE AND OROTIDYLIC DECARBOXYLASE DEFICIENCY; URIDINE MONOPHOSPHATE SYNTHASE DEFICIENCY; UMPS DEFICIENCY; OPRT AND ODC DEFICIENCY. Identifiers: Orphanet 30, MedGen C0220987, MONDO:0009797, OMIM 258900.

Allele frequency attached by ClinVar (database versions not stated): ExAC 0.00001; TOPMed 0.00002; gnomAD 0.00002; gnomAD exomes 0.00002 and 0.00004.
gnomAD v4.1: 60 of 1,614,092 alleles (0.0037%); highest among the groups gnomAD compares: Non-Finnish European, 0.0051%; no homozygotes.

Submissions (2):

Clinical Genomics Laboratory, Washington University in St. Louis
Classification: Uncertain significance for Hereditary orotic aciduria. Last evaluated: 2025-04-25. Review status: criteria provided, single submitter. Criteria: ACMG Guidelines, 2015. Collection method: clinical testing. Allele origin: germline.
Comment: The UMPS c.385G>T (p.Gly129*) variant has been reported in two related individuals affected with mild orotic aciduria. The variant was inherited from an asymptomatic mother. One of the two affected siblings also displayed additional congenital anomalies, including dysmorphic features, hypotonia, developmental delay, macrocephaly, strabismus, dysphagia, gastroesophageal reflux, recurrent abdominal pain, and left talipes equinovarus (Wortmann SB et al., PMID: 28205048). This variant causes a premature termination codon, which is predicted to lead to nonsense-mediated decay. However, loss of function variation is not a known disease mechanism. This variant is only observed on 4 out of 251,448 alleles in the general population (gnomAD v2.1.1), indicating it is not a common variant. Due to limited information, and based on ACMG/AMP guidelines for variant interpretation (Richards S et al., PMID: 25741868), the clinical significance of this variant is uncertain at this time.

Victorian Clinical Genetics Services, Murdoch Childrens Research Institute
Classification: Pathogenic for Hereditary orotic aciduria. Last evaluated: 2024-10-09. Review status: criteria provided, single submitter. Criteria: ACMG Guidelines, 2015. Collection method: clinical testing. Allele origin: germline. Inheritance: Autosomal recessive inheritance. Affected: yes.
Comment: Based on the classification scheme VCGS_Germline_v1.3.4, this variant is classified as Pathogenic. Following criteria are met: 0102 - Loss of function is a known mechanism of disease in this gene and is associated with orotic aciduria (MIM#258900). (I) 0106 - This gene is associated with autosomal recessive disease. However, there have been reports of heterozygous individuals with mild orotic aciduria (PMID: 28205048). (I) 0201 - Variant is predicted to cause nonsense-mediated decay (NMD) and loss of protein (premature termination codon is located at least 54 nucleotides upstream of the final exon-exon junction). (SP) 0251 - This variant is heterozygous. (I) 0304 - Variant is present in gnomAD (v4) <0.01 for a recessive condition (60 heterozygotes, 0 homozygotes). (SP) 0702 - Other NMD-predicted variants comparable to the one identified in this case have strong previous evidence for pathogenicity. Five NMD-predicted variants have been reported in heterozygous individuals with increased urinary orotic acid (ClinVar, PMID: 28205048). (SP) 0809 - Previous evidence of pathogenicity for this variant is inconclusive. No second hit was identified in this individual however they did present with increased urinary orotic acid. (PMID:28205048). (I) 1007 - No published functional evidence has been identified for this variant. (I) Legend: (SP) - Supporting pathogenic, (I) - Information, (SB) - Supporting benign

Literature cited by the submitters: PubMed 28205048 (cited by Victorian Clinical Genetics Services, Murdoch Childrens Research Institute).

NM_000373.4(UMPS):c.385G>T (p.Gly129Ter)

Gene: UMPS (uridine monophosphate synthetase; plus strand). Cytogenetic location: 3q21.2.
Variant type: single nucleotide variant.
Coding change: c.385G>T on transcript NM_000373.4 (MANE Select); coding-DNA position 385, G replaced by T.
Protein change: p.Gly129Ter; replaces glycine 129 with a stop codon.
Molecular consequence: nonsense. On other transcripts: non-coding transcript variant (2).
Genome position (GRCh38, 1-based): chr3:124,737,642, G>T. VCF-style: chr3-124737642-G-T. GRCh37 (hg19) VCF-style: chr3-124456489-G-T.
Other names: short protein forms G129*.
Identifiers: ClinVar variation 632395 (VCV000632395.6), dbSNP rs747405574, ClinGen allele CA2581654.